The following is an entry in ClinVar:

ClinVar aggregate classification (germline): Benign. Review status: criteria provided, multiple submitters, no conflicts (2 of 4 stars). 6 submissions from 6 submitters: Benign (6). Last evaluated 2026-01-28.

Conditions:
Cataract 18 (CATC2). Also called: CATARACT 18, AUTOSOMAL RECESSIVE. Identifiers: Orphanet 91492, Orphanet 98991, Orphanet 98992, Orphanet 98995, MedGen C1864908, MONDO:0012395, OMIM 610019.

Allele frequency attached by ClinVar (database versions not stated): ESP Exome Variant Server 0.44318; TOPMed 0.45933; gnomAD 0.46235 and 0.47624; 1000 Genomes Project 30x 0.52327; 1000 Genomes Project 0.53295; gnomAD exomes 0.54667 and 0.57712; ExAC 0.56701.
gnomAD v4.1: 871,870 of 1,613,190 alleles (54%); highest among the groups gnomAD compares: South Asian, 70%; 242,056 homozygotes.

Submissions (6):

Labcorp Genetics (formerly Invitae), Labcorp
Classification: Benign for Cataract 18. Last evaluated: 2026-01-28. Review status: criteria provided, single submitter. Criteria: Invitae Variant Classification Sherloc (09022015). Collection method: clinical testing. Allele origin: germline.

Genome-Nilou Lab
Classification: Benign for Cataract 18. Last evaluated: 2021-08-10. Review status: criteria provided, single submitter. Criteria: ACMG Guidelines, 2015. Collection method: clinical testing. Allele origin: germline. Affected: no.

GeneDx
Classification: Benign. Last evaluated: 2018-04-02. Review status: criteria provided, single submitter. Criteria: GeneDx Variant Classification (06012015). Collection method: clinical testing. Allele origin: germline. Affected: yes.
Comment: This variant is considered likely benign or benign based on one or more of the following criteria: it is a conservative change, it occurs at a poorly conserved position in the protein, it is predicted to be benign by multiple in silico algorithms, and/or has population frequency not consistent with disease.

Illumina Laboratory Services, Illumina
Classification: Benign for Cataract 18. Last evaluated: 2018-01-13. Review status: criteria provided, single submitter. Criteria: ICSL Variant Classification Criteria 13 December 2019. Collection method: clinical testing. Allele origin: germline.
Comment: This variant was observed in the ICSL laboratory as part of a predisposition screen in an ostensibly healthy population. It had not been previously curated by ICSL or reported in the Human Gene Mutation Database (HGMD: prior to June 1st, 2018), and was therefore a candidate for classification through an automated scoring system. Utilizing variant allele frequency, disease prevalence and penetrance estimates, and inheritance mode, an automated score was calculated to assess if this variant is too frequent to cause the disease. Based on the score and internal cut-off values, a variant classified as benign is not then subjected to further curation. The score for this variant resulted in a classification of benign for this disease.

Breakthrough Genomics
Classification: Benign. Review status: criteria provided, single submitter. Criteria: ACMG Guidelines, 2015. Collection method: not provided. Allele origin: germline. Inheritance: Autosomal recessive inheritance. Affected: yes.

PreventionGenetics, part of Exact Sciences
Classification: Benign. Review status: criteria provided, single submitter. Criteria: ACMG Guidelines, 2015. Collection method: clinical testing. Allele origin: germline.

NM_024513.4(FYCO1):c.962G>C (p.Gly321Ala)

Gene: FYCO1 (FYVE and coiled-coil domain autophagy adaptor 1; minus strand). Cytogenetic location: 3p21.31.
Variant type: single nucleotide variant.
Coding change: c.962G>C on transcript NM_024513.4 (MANE Select); coding-DNA position 962, G replaced by C.
Protein change: p.Gly321Ala; replaces glycine 321 with alanine.
Molecular consequence: missense variant.
Genome position (GRCh38, 1-based): chr3:45,968,372, C>G on the plus strand (G>C on the coding strand, the complement: FYCO1 is on the minus strand). VCF-style: chr3-45968372-C-G. GRCh37 (hg19) VCF-style: chr3-46009864-C-G.
Other names: short protein forms G321A.
Identifiers: ClinVar variation 261738 (VCV000261738.17), dbSNP rs3733100, ClinGen allele CA2353346.